The following is an entry in ClinVar:

ClinVar aggregate classification (germline): Uncertain significance (1 of 4 stars; one submission).

Submission:

GeneDx
Classification: Uncertain significance. Last evaluated: 2024-05-10. Review status: criteria provided, single submitter. Criteria: GeneDx Variant Classification Process June 2021. Collection method: clinical testing. Allele origin: germline. Affected: yes.
Comment: Not observed at significant frequency in large population cohorts (gnomAD); In silico analysis indicates that this missense variant does not alter protein structure/function; Has not been previously published as pathogenic or benign to our knowledge

NM_001127644.2(GABRA1):c.43A>T (p.Ile15Phe)

Gene: GABRA1 (gamma-aminobutyric acid type A receptor subunit alpha1; plus strand). Cytogenetic location: 5q34.
Variant type: single nucleotide variant.
Coding change: c.43A>T on transcript NM_001127644.2 (MANE Select); coding-DNA position 43, A replaced by T.
Protein change: p.Ile15Phe; replaces isoleucine 15 with phenylalanine.
Molecular consequence: missense variant.
Genome position (GRCh38, 1-based): chr5:161,850,853, A>T. VCF-style: chr5-161850853-A-T. GRCh37 (hg19) VCF-style: chr5-161277859-A-T.
Other names: c.43A>T, p.Ile15Phe (NM_000806.5, NM_001127643.2, NM_001127645.2 and 1 more transcripts); short protein forms I15F.
Identifiers: ClinVar variation 3375812 (VCV003375812.1).